The following is an entry in ClinVar:

ClinVar aggregate classification (germline): Uncertain significance (1 of 4 stars; one submission).

Conditions:
Bardet-Biedl syndrome (BBS). Identifiers: Orphanet 110, MedGen C0752166, MONDO:0015229.

Submission:

Labcorp Genetics (formerly Invitae), Labcorp
Classification: Uncertain significance for Bardet-Biedl syndrome. Last evaluated: 2021-09-06. Review status: criteria provided, single submitter. Criteria: Invitae Variant Classification Sherloc (09022015). Collection method: clinical testing. Allele origin: germline.
Comment: This sequence change replaces threonine with isoleucine at codon 652 of the TRIM32 protein (p.Thr652Ile). The threonine residue is highly conserved and there is a moderate physicochemical difference between threonine and isoleucine. This variant is not present in population databases (ExAC no frequency). This variant has not been reported in the literature in individuals affected with TRIM32-related conditions. Algorithms developed to predict the effect of missense changes on protein structure and function are either unavailable or do not agree on the potential impact of this missense change (SIFT: "Deleterious"; PolyPhen-2: "Possibly Damaging"; Align-GVGD: "Class C0"). In summary, the available evidence is currently insufficient to determine the role of this variant in disease. Therefore, it has been classified as a Variant of Uncertain Significance.

NM_012210.4(TRIM32):c.1955C>T (p.Thr652Ile)

Genes: ASTN2 (astrotactin 2; minus strand), TRIM32 (tripartite motif containing 32; plus strand). Cytogenetic location: 9q33.1.
Variant type: single nucleotide variant.
Coding change: c.1955C>T on transcript NM_012210.4 (MANE Select); coding-DNA position 1955, C replaced by T.
Protein change: p.Thr652Ile; replaces threonine 652 with isoleucine.
Molecular consequence: missense variant. On other transcripts: intron variant (3).
Genome position (GRCh38, 1-based): chr9:116,699,697, C>T. VCF-style: chr9-116699697-C-T. GRCh37 (hg19) VCF-style: chr9-119461976-C-T.
Other names: c.1955C>T, p.Thr652Ile (NM_001099679.2, NM_001379048.1, NM_001379049.1 and 1 more transcripts); c.2653+26074G>A (NM_014010.5); c.2794+26074G>A (NM_001365069.1); c.2806+26074G>A (NM_001365068.1); short protein forms T652I.
Identifiers: ClinVar variation 1463992 (VCV001463992.6), dbSNP rs2132076367, ClinGen allele CA374652807.